The following is an entry in ClinVar:

NM_001025356.3(ANO6):c.911A>G (p.Tyr304Cys)

Gene: ANO6 (anoctamin 6; plus strand). Cytogenetic location: 12q12.
Variant type: single nucleotide variant.
Coding change: c.911A>G on transcript NM_001025356.3 (MANE Select); coding-DNA position 911, A replaced by G.
Protein change: p.Tyr304Cys; replaces tyrosine 304 with cysteine.
Molecular consequence: missense variant.
Genome position (GRCh38, 1-based): chr12:45,357,337, A>G. VCF-style: chr12-45357337-A-G. GRCh37 (hg19) VCF-style: chr12-45751120-A-G.
Other names: c.857A>G, p.Tyr286Cys (NM_001142678.2); c.911A>G, p.Tyr304Cys (NM_001142679.2); c.974A>G, p.Tyr325Cys (NM_001204803.2); c.878A>G, p.Tyr293Cys (NM_001410973.1); short protein forms Y286C, Y325C, Y293C, Y304C.
Identifiers: ClinVar variation 2996484 (VCV002996484.1), dbSNP rs1157920639, ClinGen allele CA384476059.

ClinVar aggregate classification (germline): Uncertain significance (1 of 4 stars; one submission).

Allele frequency attached by ClinVar (database versions not stated): gnomAD 0.00001; gnomAD exomes 0.00001; TOPMed 0.00001.
gnomAD v4.1: 11 of 1,613,956 alleles (0.00068%); highest among the groups gnomAD compares: South Asian, 0.0044%; no homozygotes.

Submission:

Labcorp Genetics (formerly Invitae), Labcorp
Classification: Uncertain significance. Last evaluated: 2023-12-11. Review status: criteria provided, single submitter. Criteria: Invitae Variant Classification Sherloc (09022015). Collection method: clinical testing. Allele origin: germline.
Comment: This sequence change replaces tyrosine, which is neutral and polar, with cysteine, which is neutral and slightly polar, at codon 304 of the ANO6 protein (p.Tyr304Cys). This variant is not present in population databases (gnomAD no frequency). This variant has not been reported in the literature in individuals affected with ANO6-related conditions. Advanced modeling of protein sequence and biophysical properties (such as structural, functional, and spatial information, amino acid conservation, physicochemical variation, residue mobility, and thermodynamic stability) performed at Invitae indicates that this missense variant is expected to disrupt ANO6 protein function with a positive predictive value of 80%. In summary, the available evidence is currently insufficient to determine the role of this variant in disease. Therefore, it has been classified as a Variant of Uncertain Significance.